The following is an entry in ClinVar:

NM_000377.3(WAS):c.361-2A>C

Gene: WAS (WASP actin nucleation promoting factor; plus strand). Cytogenetic location: Xp11.23.
Variant type: single nucleotide variant.
Coding change: c.361-2A>C on transcript NM_000377.3 (MANE Select); the canonical splice acceptor site of the intron before coding-DNA position 361, A replaced by C.
Molecular consequence: splice acceptor variant.
Genome position (GRCh38, 1-based): chrX:48,685,732, A>C. VCF-style: chrX-48685732-A-C. GRCh37 (hg19) VCF-style: chrX-48544121-A-C.
Other names: c.361-2A>C (NM_001438879.1, NM_001438877.1, NM_001438878.1 and 1 more transcripts).
Identifiers: ClinVar variation 4536223 (VCV004536223.1).

ClinVar aggregate classification (germline): Pathogenic (1 of 4 stars; one submission).

Submission:

GeneDx
Classification: Pathogenic. Last evaluated: 2025-06-06. Review status: criteria provided, single submitter. Criteria: GeneDx Variant Classification Process June 2021. Collection method: clinical testing. Allele origin: germline. Affected: yes.
Comment: Canonical splice site variant predicted to result in a null allele in a gene for which loss of function is a known mechanism of disease; Not observed at significant frequency in large population cohorts (gnomAD); This variant is associated with the following publications: (PMID: 25525159, 8931701)